The following is an entry in ClinVar:

ClinVar aggregate classification (germline): Likely benign. Review status: criteria provided, multiple submitters, no conflicts (2 of 4 stars). 3 submissions from 3 submitters: Likely benign (3). Last evaluated 2025-07-31.

Conditions:
GLI2-related disorder. Also called: GLI2-related condition; GLI2-related disorders.
Postaxial polydactyly-anterior pituitary anomalies-facial dysmorphism syndrome. Also called: Culler-Jones syndrome. Identifiers: Orphanet 420584, MedGen C4014479, MONDO:0014369, OMIM 615849.
Holoprosencephaly 9 (HPE9). Also called: PITUITARY ANOMALIES WITH HOLOPROSENCEPHALY-LIKE FEATURES; HOLOPROSENCEPHALY WITH MICROPHTHALMIA AND FIRST BRANCHIAL ARCH ANOMALIES. Identifiers: Orphanet 2162, MedGen C1835819, MONDO:0012563, OMIM 610829.

Allele frequency attached by ClinVar (database versions not stated): gnomAD exomes 0.00003 and 0.00011; ExAC 0.00013; gnomAD 0.00033 and 0.00037; 1000 Genomes Project 0.00040; TOPMed 0.00043; 1000 Genomes Project 30x 0.00047; ESP Exome Variant Server 0.00054.
gnomAD v4.1: 92 of 1,612,602 alleles (0.0057%); highest among the groups gnomAD compares: African/African-American, 0.11%; no homozygotes.

Submissions (3):

Labcorp Genetics (formerly Invitae), Labcorp
Classification: Likely benign for Postaxial polydactyly-anterior pituitary anomalies-facial dysmorphism syndrome; Holoprosencephaly 9. Last evaluated: 2025-07-31. Review status: criteria provided, single submitter. Criteria: Invitae Variant Classification Sherloc (09022015). Collection method: clinical testing. Allele origin: germline.

PreventionGenetics, part of Exact Sciences
Classification: Likely benign for GLI2-related condition. Last evaluated: 2025-01-03. Review status: criteria provided, single submitter. Criteria: ACMG Guidelines, 2015. Collection method: clinical testing. Allele origin: germline.
Comment: This variant is classified as likely benign based on ACMG/AMP sequence variant interpretation guidelines (Richards et al. 2015 PMID: 25741868, with internal and published modifications).

Illumina Laboratory Services, Illumina
Classification: Likely benign for Holoprosencephaly 9. Last evaluated: 2017-04-28. Review status: criteria provided, single submitter. Criteria: ICSL Variant Classification Criteria 13 December 2019. Collection method: clinical testing. Allele origin: germline.
Comment: This variant was observed as part of a predisposition screen in an ostensibly healthy population. A literature search was performed for the gene, cDNA change, and amino acid change (where applicable). Publications were found based on this search. The evidence from the literature, in combination with allele frequency data from public databases where available, was sufficient to determine this variant is unlikely to cause disease. Therefore, this variant is classified as likely benign.

Literature cited by the submitters: PubMed 21204792 (cited by Illumina Laboratory Services, Illumina).

NM_001374353.1(GLI2):c.3575G>T (p.Ser1192Ile)

Gene: GLI2 (GLI family zinc finger 2; plus strand). Cytogenetic location: 2q14.2.
Variant type: single nucleotide variant.
Coding change: c.3575G>T on transcript NM_001374353.1 (MANE Select); coding-DNA position 3575, G replaced by T.
Protein change: p.Ser1192Ile; replaces serine 1192 with isoleucine.
Molecular consequence: missense variant.
Genome position (GRCh38, 1-based): chr2:120,989,540, G>T. VCF-style: chr2-120989540-G-T. GRCh37 (hg19) VCF-style: chr2-121747116-G-T.
Other names: c.3626G>T, p.Ser1209Ile (NM_001371271.1, NM_005270.5); c.3200G>T, p.Ser1067Ile (NM_001374354.1); short protein forms S1192I, S1067I, S1209I.
Identifiers: ClinVar variation 767113 (VCV000767113.14), dbSNP rs138909736, ClinGen allele CA1852436.